The following is an entry in ClinVar:

ClinVar aggregate classification (germline): Conflicting classifications of pathogenicity. Review status: criteria provided, conflicting classifications (1 of 4 stars). 8 submissions from 4 submitters: Uncertain significance (5); Likely benign (3). Last evaluated 2025-12-29.

Conditions:
Cardiovascular phenotype. Identifiers: MedGen CN230736.
Autosomal recessive limb-girdle muscular dystrophy type 2J (LGMDR10). Also called: Limb-girdle muscular dystrophy, type 2J; MUSCULAR DYSTROPHY, LIMB-GIRDLE, AUTOSOMAL RECESSIVE 10. Identifiers: Orphanet 140922, MedGen C1837342, MONDO:0012127, OMIM 608807.
Tibial muscular dystrophy (TMD). Also called: Udd Distal Myopathy – Tibial Muscular Dystrophy; UDD MYOPATHY; Tibial muscular dystrophy, tardive. Identifiers: Orphanet 609, MedGen C1838244, MONDO:0010870, OMIM 600334.
Dilated cardiomyopathy 1G (CMD1G). Identifiers: Orphanet 154, MedGen C1858763, MONDO:0011400, OMIM 604145.
Early-onset myopathy with fatal cardiomyopathy (CMYO5). Also called: CONGENITAL MYOPATHY 5 WITH CARDIOMYOPATHY; Salih Myopathy. Identifiers: Orphanet 289377, MedGen C2673677, MONDO:0012714, OMIM 611705. Disease mechanism: loss of function.
Myopathy, myofibrillar, 9, with early respiratory failure (MFM9). Also called: MYOPATHY, PROXIMAL, WITH EARLY RESPIRATORY MUSCLE INVOLVEMENT; Hereditary myopathy with early respiratory failure; Myopathy, distal, with early respiratory failure, autosomal dominant; EDSTROM MYOPATHY. Identifiers: Orphanet 178464, Orphanet 34521, MedGen C1863599, MONDO:0011362, OMIM 603689.

Allele frequency attached by ClinVar (database versions not stated): ExAC 0.00001; TOPMed 0.00001.
gnomAD v4.1: 17 of 1,614,086 alleles (0.0011%); highest among the groups gnomAD compares: African/African-American, 0.004%; no homozygotes.

Submissions (8):

Labcorp Genetics (formerly Invitae), Labcorp
Classification: Likely benign for Dilated cardiomyopathy 1G; Autosomal recessive limb-girdle muscular dystrophy type 2J. Last evaluated: 2025-12-29. Review status: criteria provided, single submitter. Criteria: Invitae Variant Classification Sherloc (09022015). Collection method: clinical testing. Allele origin: germline.

CeGaT Center for Human Genetics Tuebingen
Classification: Likely benign. Last evaluated: 2024-09-01. Review status: criteria provided, single submitter. Criteria: CeGaT Center For Human Genetics Tuebingen Variant Classification Criteria Version 2. Collection method: clinical testing. Allele origin: germline. Affected: yes. Observed: 1 variant allele.
Comment: TTN: BP4, BP7

Ambry Genetics
Classification: Likely benign for Cardiovascular phenotype. Last evaluated: 2023-04-27. Review status: criteria provided, single submitter. Criteria: Ambry Variant Classification Scheme 2023. Collection method: clinical testing. Allele origin: germline.

Illumina Laboratory Services, Illumina
Classification: Uncertain significance for Myopathy, myofibrillar, 9, with early respiratory failure. Last evaluated: 2018-01-13. Review status: criteria provided, single submitter. Criteria: ICSL Variant Classification Criteria 13 December 2019. Collection method: clinical testing. Allele origin: germline.

Illumina Laboratory Services, Illumina
Classification: Uncertain significance for Autosomal recessive limb-girdle muscular dystrophy type 2J. Last evaluated: 2018-01-13. Review status: criteria provided, single submitter. Criteria: ICSL Variant Classification Criteria 13 December 2019. Collection method: clinical testing. Allele origin: germline.

Illumina Laboratory Services, Illumina
Classification: Uncertain significance for Early-onset myopathy with fatal cardiomyopathy. Last evaluated: 2018-01-13. Review status: criteria provided, single submitter. Criteria: ICSL Variant Classification Criteria 13 December 2019. Collection method: clinical testing. Allele origin: germline.

Illumina Laboratory Services, Illumina
Classification: Uncertain significance for Dilated cardiomyopathy 1G. Last evaluated: 2018-01-13. Review status: criteria provided, single submitter. Criteria: ICSL Variant Classification Criteria 13 December 2019. Collection method: clinical testing. Allele origin: germline.

Illumina Laboratory Services, Illumina
Classification: Uncertain significance for Tibial muscular dystrophy. Last evaluated: 2018-01-13. Review status: criteria provided, single submitter. Criteria: ICSL Variant Classification Criteria 13 December 2019. Collection method: clinical testing. Allele origin: germline.

NM_001267550.2(TTN):c.8373C>T (p.His2791=)

Gene: TTN (titin; minus strand). Cytogenetic location: 2q31.2.
Variant type: single nucleotide variant.
Coding change: c.8373C>T on transcript NM_001267550.2 (MANE Select); coding-DNA position 8373, C replaced by T.
Protein change: p.His2791=; no amino-acid change (histidine 2791 retained).
Molecular consequence: synonymous variant.
Genome position (GRCh38, 1-based): chr2:178,770,419, G>A on the plus strand (C>T on the coding strand, the complement: TTN is on the minus strand). VCF-style: chr2-178770419-G-A. GRCh37 (hg19) VCF-style: chr2-179635146-G-A.
Other names: c.8373C>T, p.His2791= (NM_133378.4, NM_001256850.1, NM_133379.5); c.8235C>T, p.His2745= (NM_003319.4, NM_133432.3, NM_133437.4).
Identifiers: ClinVar variation 894082 (VCV000894082.28), dbSNP rs566816279, ClinGen allele CA2004607.